The following is an entry in ClinVar:

NM_005591.4(MRE11):c.976C>A (p.Pro326Thr)

Gene: MRE11 (MRE11 double strand break repair nuclease; minus strand). Cytogenetic location: 11q21.
Variant type: single nucleotide variant.
Coding change: c.976C>A on transcript NM_005591.4 (MANE Select); coding-DNA position 976, C replaced by A.
Protein change: p.Pro326Thr; replaces proline 326 with threonine.
Molecular consequence: missense variant.
Genome position (GRCh38, 1-based): chr11:94,470,512, G>T on the plus strand (C>A on the coding strand, the complement: MRE11 is on the minus strand). VCF-style: chr11-94470512-G-T. GRCh37 (hg19) VCF-style: chr11-94203678-G-T.
Other names: c.976C>A, p.Pro326Thr (NM_001330347.2, NM_005590.4); short protein forms P326T.
Identifiers: ClinVar variation 1800322 (VCV001800322.2), dbSNP rs1591692503, ClinGen allele CA382374270.

ClinVar aggregate classification (germline): Uncertain significance (1 of 4 stars; one submission).

Conditions:
Hereditary cancer-predisposing syndrome. Also called: Neoplastic Syndromes, Hereditary; Tumor predisposition; Hereditary Cancer Syndrome; Hereditary neoplastic syndrome. Identifiers: Orphanet 140162, MedGen C0027672, MeSH D009386, MONDO:0015356.

Submission:

Ambry Genetics
Classification: Uncertain significance for Hereditary cancer-predisposing syndrome. Last evaluated: 2019-08-27. Review status: criteria provided, single submitter. Criteria: Ambry Variant Classification Scheme 2023. Collection method: clinical testing. Allele origin: germline.
Comment: The p.P326T variant (also known as c.976C>A), located in coding exon 8 of the MRE11A gene, results from a C to A substitution at nucleotide position 976. The proline at codon 326 is replaced by threonine, an amino acid with highly similar properties. This amino acid position is well conserved in available vertebrate species. In addition, the in silico prediction for this alteration is inconclusive. Since supporting evidence is limited at this time, the clinical significance of this alteration remains unclear.